The following is an entry in ClinVar:

NM_004082.5(DCTN1):c.593C>A (p.Thr198Lys)

Gene: DCTN1 (dynactin subunit 1; minus strand). Cytogenetic location: 2p13.1.
Variant type: single nucleotide variant.
Coding change: c.593C>A on transcript NM_004082.5 (MANE Select); coding-DNA position 593, C replaced by A.
Protein change: p.Thr198Lys; replaces threonine 198 with lysine.
Molecular consequence: missense variant. On other transcripts: non-coding transcript variant (1).
Genome position (GRCh38, 1-based): chr2:74,371,589, G>T on the plus strand (C>A on the coding strand, the complement: DCTN1 is on the minus strand). VCF-style: chr2-74371589-G-T. GRCh37 (hg19) VCF-style: chr2-74598716-G-T.
Other names: c.533C>A, p.Thr178Lys (NM_001135040.3); c.191C>A, p.Thr64Lys (NM_001135041.3, NM_023019.4); c.482C>A, p.Thr161Lys (NM_001190836.2); c.572C>A, p.Thr191Lys (NM_001190837.2); c.542C>A, p.Thr181Lys (NM_001378991.1); c.524C>A, p.Thr175Lys (NM_001378992.1); short protein forms T161K, T181K, T175K, T178K, T191K, T198K, T64K.
Identifiers: ClinVar variation 4617030 (VCV004617030.2).
Genomic context (GRCh38, chr2:74,371,589, plus strand): 5'-GGCCTTACCTTGGATGGGGAAGGAAGCGGGGGGACTGCTCCAGGAGAGGTGAGGACCGGC[G>T]TGGGGATGATGGGTGCTGCCAGCGGAGTCTGAGCCGGGGTGCTGGGCTCACTGCTGCTCA-3'
Protein context (NP_004073.2, residues 188-208): QTPLAAPIIP[Thr198Lys]PVLTSPGAVP

ClinVar aggregate classification (germline): Uncertain significance. Review status: criteria provided, multiple submitters, no conflicts (2 of 4 stars). 2 submissions from 2 submitters: Uncertain significance (2). Last evaluated 2025-12-08.

Conditions:
Inborn genetic diseases. Identifiers: MedGen C0950123, MeSH D030342.
Amyotrophic lateral sclerosis type 1 (ALS1). Also called: AMYOTROPHIC LATERAL SCLEROSIS 1, FAMILIAL. Identifiers: Orphanet 803, MedGen C1862939, MONDO:0007103, OMIM 105400.
Neuronopathy, distal hereditary motor, type 7B. Also called: Distal Hereditary Motor Neuronopathy Type 7B (dHMN7B); NEURONOPATHY, DISTAL HEREDITARY MOTOR, AUTOSOMAL DOMINANT 14; NEURONOPATHY, DISTAL HEREDITARY MOTOR, HARDING TYPE VIIB; NEUROPATHY, DISTAL HEREDITARY MOTOR, HARDING TYPE VIIB; NEUROPATHY, DISTAL HEREDITARY MOTOR, WITH VOCAL CORD PARALYSIS, HARDING TYPE VIIB; HMN VIIB. Identifiers: Orphanet 139589, MedGen C1843315, MONDO:0011879, OMIM 607641.
Perry syndrome. Also called: PARKINSONISM WITH ALVEOLAR HYPOVENTILATION AND MENTAL DEPRESSION. Identifiers: Orphanet 178509, MedGen C1868594, MONDO:0008201, OMIM 168605.

gnomAD v4.1: 1 of 1,588,312 alleles (0.000063%); highest among the groups gnomAD compares: Non-Finnish European, 0.000086%; no homozygotes.

Submissions (2):

Ambry Genetics
Classification: Uncertain significance for Inborn genetic diseases. Last evaluated: 2025-12-08. Review status: criteria provided, single submitter. Criteria: Ambry Variant Classification Scheme 2023. Collection method: clinical testing. Allele origin: germline.

Labcorp Genetics (formerly Invitae), Labcorp
Classification: Uncertain significance for Amyotrophic lateral sclerosis type 1; Neuronopathy, distal hereditary motor, type 7B; Perry syndrome. Last evaluated: 2025-08-21. Review status: criteria provided, single submitter. Criteria: Invitae Variant Classification Sherloc (09022015). Collection method: clinical testing. Allele origin: germline.
Comment: This sequence change replaces threonine, which is neutral and polar, with lysine, which is basic and polar, at codon 198 of the DCTN1 protein (p.Thr198Lys). This variant is not present in population databases (gnomAD no frequency). This variant has not been reported in the literature in individuals affected with DCTN1-related conditions. Invitae Evidence Modeling of protein sequence and biophysical properties (such as structural, functional, and spatial information, amino acid conservation, physicochemical variation, residue mobility, and thermodynamic stability) indicates that this missense variant is not expected to disrupt DCTN1 protein function with a negative predictive value of 95%. In summary, the available evidence is currently insufficient to determine the role of this variant in disease. Therefore, it has been classified as a Variant of Uncertain Significance.